The following is an entry in ClinVar:

NM_004082.5(DCTN1):c.1128-15C>A

Gene: DCTN1 (dynactin subunit 1; minus strand). Cytogenetic location: 2p13.1.
Variant type: single nucleotide variant.
Coding change: c.1128-15C>A on transcript NM_004082.5 (MANE Select); 15 bases into the intron before coding-DNA position 1128, C replaced by A.
Molecular consequence: intron variant.
Genome position (GRCh38, 1-based): chr2:74,370,360, G>T on the plus strand (C>A on the coding strand, the complement: DCTN1 is on the minus strand). VCF-style: chr2-74370360-G-T. GRCh37 (hg19) VCF-style: chr2-74597487-G-T.
Other names: c.1017-15C>A (NM_001190836.2); c.1059-15C>A (NM_001378992.1); c.1077-15C>A (NM_001378991.1); c.1068-15C>A (NM_001135040.3); c.1107-15C>A (NM_001190837.2); c.726-15C>A (NM_001135041.3, NM_023019.4).
Identifiers: ClinVar variation 4689570 (VCV004689570.2).

ClinVar aggregate classification (germline): Likely benign. Review status: criteria provided, multiple submitters, no conflicts (2 of 4 stars). 2 submissions from 2 submitters: Likely benign (2). Last evaluated 2026-01-27.

Conditions:
Amyotrophic lateral sclerosis type 1 (ALS1). Also called: AMYOTROPHIC LATERAL SCLEROSIS 1, FAMILIAL. Identifiers: Orphanet 803, MedGen C1862939, MONDO:0007103, OMIM 105400.
Neuronopathy, distal hereditary motor, type 7B. Also called: Distal Hereditary Motor Neuronopathy Type 7B (dHMN7B); NEURONOPATHY, DISTAL HEREDITARY MOTOR, AUTOSOMAL DOMINANT 14; NEURONOPATHY, DISTAL HEREDITARY MOTOR, HARDING TYPE VIIB; NEUROPATHY, DISTAL HEREDITARY MOTOR, HARDING TYPE VIIB; NEUROPATHY, DISTAL HEREDITARY MOTOR, WITH VOCAL CORD PARALYSIS, HARDING TYPE VIIB; HMN VIIB. Identifiers: Orphanet 139589, MedGen C1843315, MONDO:0011879, OMIM 607641.
Perry syndrome. Also called: PARKINSONISM WITH ALVEOLAR HYPOVENTILATION AND MENTAL DEPRESSION. Identifiers: Orphanet 178509, MedGen C1868594, MONDO:0008201, OMIM 168605.

gnomAD v4.1: 3 of 1,614,014 alleles (0.00019%); highest among the groups gnomAD compares: Non-Finnish European, 0.00025%; no homozygotes.

Submissions (2):

Women's Health and Genetics/Laboratory Corporation of America, LabCorp
Classification: Likely benign. Last evaluated: 2026-01-27. Review status: criteria provided, single submitter. Criteria: LabCorp Variant Classification Summary - May 2015. Collection method: clinical testing. Allele origin: germline.
Comment: Variant summary: DCTN1 c.1128-15C>A alters a nucleotide located at a position not widely known to affect splicing. Consensus agreement among computation tools predict no significant impact on normal splicing. However, these predictions have yet to be confirmed by functional studies. The variant allele was found at a frequency of 4e-06 in 251206 control chromosomes. The available data on variant occurrences in the general population are insufficient to allow any conclusion about variant significance. To our knowledge, no occurrence of c.1128-15C>A in individuals affected with DCTN1-related conditions and no experimental evidence demonstrating its impact on protein function have been reported. No submitters have cited clinical-significance assessments for this variant to ClinVar. Based on the evidence outlined above, the variant was classified as likely benign.

Labcorp Genetics (formerly Invitae), Labcorp
Classification: Likely benign for Amyotrophic lateral sclerosis type 1; Neuronopathy, distal hereditary motor, type 7B; Perry syndrome. Last evaluated: 2025-05-22. Review status: criteria provided, single submitter. Criteria: Invitae Variant Classification Sherloc (09022015). Collection method: clinical testing. Allele origin: germline.